The following is an entry in ClinVar:

ClinVar aggregate classification (germline): Uncertain significance. Review status: criteria provided, multiple submitters, no conflicts (2 of 4 stars). 3 submissions from 3 submitters: Uncertain significance (3). Last evaluated 2025-11-22.

Conditions:
Hereditary cancer-predisposing syndrome. Also called: Neoplastic Syndromes, Hereditary; Tumor predisposition; Hereditary Cancer Syndrome; Hereditary neoplastic syndrome. Identifiers: Orphanet 140162, MedGen C0027672, MeSH D009386, MONDO:0015356.
Familial adenomatous polyposis 1 (FAP1). Also called: FAMILIAL ADENOMATOUS POLYPOSIS 1, ATTENUATED; POLYPOSIS, ADENOMATOUS INTESTINAL. Identifiers: MedGen C2713442, MONDO:0021056, OMIM 175100. Disease mechanism: loss of function.

Submissions (3):

Labcorp Genetics (formerly Invitae), Labcorp
Classification: Uncertain significance for Familial adenomatous polyposis 1. Last evaluated: 2025-11-22. Review status: criteria provided, single submitter. Criteria: Invitae Variant Classification Sherloc (09022015). Collection method: clinical testing. Allele origin: germline.
Comment: This sequence change replaces proline, which is neutral and non-polar, with arginine, which is basic and polar, at codon 2261 of the APC protein (p.Pro2261Arg). This variant is present in population databases (no rsID available, gnomAD 0.0009%). This variant has not been reported in the literature in individuals affected with APC-related conditions. ClinVar contains an entry for this variant (Variation ID: 1755402). Invitae Evidence Modeling of protein sequence and biophysical properties (such as structural, functional, and spatial information, amino acid conservation, physicochemical variation, residue mobility, and thermodynamic stability) indicates that this missense variant is not expected to disrupt APC protein function with a negative predictive value of 95%. In summary, the available evidence is currently insufficient to determine the role of this variant in disease. Therefore, it has been classified as a Variant of Uncertain Significance.

Ambry Genetics
Classification: Uncertain significance for Hereditary cancer-predisposing syndrome. Last evaluated: 2025-09-18. Review status: criteria provided, single submitter. Criteria: Ambry Variant Classification Scheme 2023. Collection method: clinical testing. Allele origin: germline.
Comment: The p.P2261R variant (also known as c.6782C>G), located in coding exon 15 of the APC gene, results from a C to G substitution at nucleotide position 6782. The proline at codon 2261 is replaced by arginine, an amino acid with dissimilar properties. This amino acid position is highly conserved in available vertebrate species. In addition, in silico predictors for this gene do not accurately predict pathogenicity. Missense alterations in APC are not a common cause of disease (Spier I et al. Genet Med. 2024 Feb;26(2):100992). Based on the available evidence, the clinical significance of this variant remains unclear.

GeneDx
Classification: Uncertain significance. Last evaluated: 2023-12-05. Review status: criteria provided, single submitter. Criteria: GeneDx Variant Classification Process June 2021. Collection method: clinical testing. Allele origin: germline. Affected: yes.
Comment: Not observed at significant frequency in large population cohorts (gnomAD); In silico analysis supports that this missense variant has a deleterious effect on protein structure/function; Has not been previously published as pathogenic or benign to our knowledge; This variant is associated with the following publications: (PMID: 18199528)

NM_000038.6(APC):c.6782C>G (p.Pro2261Arg)

Gene: APC (APC regulator of Wnt signaling pathway; plus strand). Cytogenetic location: 5q22.2.
Variant type: single nucleotide variant.
Coding change: c.6782C>G on transcript NM_000038.6 (MANE Select); coding-DNA position 6782, C replaced by G.
Protein change: p.Pro2261Arg; replaces proline 2261 with arginine.
Molecular consequence: missense variant.
Genome position (GRCh38, 1-based): chr5:112,842,376, C>G. VCF-style: chr5-112842376-C-G. GRCh37 (hg19) VCF-style: chr5-112178073-C-G.
Other names: c.6659C>G, p.Pro2220Arg (NM_001354900.2); c.6605C>G, p.Pro2202Arg (NM_001354901.2, NM_001407453.1); c.6509C>G, p.Pro2170Arg (NM_001354902.2); c.6479C>G, p.Pro2160Arg (NM_001354903.2, NM_001407458.1, NM_001407459.1 and 1 more transcripts); c.6404C>G, p.Pro2135Arg (NM_001354904.2); c.6302C>G, p.Pro2101Arg (NM_001354905.2); c.5933C>G, p.Pro1978Arg (NM_001354906.2, NM_001407470.1); c.6866C>G, p.Pro2289Arg (NM_001407446.1); and 11 more; short protein forms P2135R, P2170R, P2178R, P2220R, P2261R, P2279R, P2289R, P1877R.
Identifiers: ClinVar variation 1755402 (VCV001755402.7), dbSNP rs376494248, ClinGen allele CA16036145.
Genomic context (GRCh38, chr5:112,842,376, plus strand): 5'-CAAGTACAAGTCCTGTTTCTAAAAAAGGCCCACCCCTTAAGACTCCAGCCTCCAAAAGCC[C>G]TAGTGAAGGTCAAACAGCCACCACTTCTCCTAGAGGAGCCAAGCCATCTGTGAAATCAGA-3'
Protein context (NP_000029.2, residues 2251-2271): PPLKTPASKS[Pro2261Arg]SEGQTATTSP